The following is an entry in ClinVar:

NM_025114.4(CEP290):c.3574-9del

Gene: CEP290 (centrosomal protein 290; minus strand). Cytogenetic location: 12q21.32.
Variant type: Deletion.
Coding change: c.3574-9del on transcript NM_025114.4 (MANE Select); 9 bases into the intron before coding-DNA position 3574, one base deleted (T; older notation c.3574-9delT).
Molecular consequence: intron variant.
Genome position (GRCh38, 1-based): chr12:88,089,496, A deleted on the plus strand (T on the coding strand, the reverse complement: CEP290 is on the minus strand); the first of 8 consecutive A bases (chr12:88,089,496-88,089,503); deleting any one gives the same sequence. VCF-style (leftmost placement, unchanged base first): chr12-88089495-TA-T. GRCh37 (hg19) VCF-style: chr12-88483272-TA-T.
Other names: NC_000012.11:g.88483280del; p.?; c.3574-9delT (NM_025114.3, NM_025114.4); c.3574-16del (NM_025114.4).
Identifiers: ClinVar variation 96170 (VCV000096170.27), dbSNP rs10717563, ClinGen allele CA149313.

ClinVar aggregate classification (germline): Benign. Review status: criteria provided, multiple submitters, no conflicts (2 of 4 stars). 11 submissions from 8 submitters: Benign (10). 1 of the submissions does not count toward it. Last evaluated 2026-02-04.

Conditions:
Leber congenital amaurosis (LCA). Also called: Leber's amaurosis. Identifiers: Orphanet 65, MedGen C0339527, MeSH D057130, MONDO:0018998.
Joubert syndrome 5 (JBTS5). Identifiers: Orphanet 2318, MedGen C1857780, MONDO:0012432, OMIM 610188.
Senior-Loken syndrome 6 (SLSN6). Identifiers: Orphanet 3156, MedGen C1857779, MONDO:0012433, OMIM 610189.
Bardet-Biedl syndrome 14 (BBS14). Identifiers: Orphanet 110, MedGen C2673874, MONDO:0014442, OMIM 615991.
Meckel-Gruber syndrome. Also called: DYSENCEPHALIA SPLANCHNOCYSTICA; GRUBER SYNDROME; Dysencephalia splachnocystica. Identifiers: Orphanet 564, MedGen C0265215, MONDO:0018921.
Nephronophthisis. Also called: Juvenile Nephronophthisis. Identifiers: Orphanet 655, MedGen C0687120, MONDO:0019005, HP:0000090.
Joubert syndrome. Also called: JOUBERT-BOLTSHAUSER SYNDROME; Familial aplasia of the vermis. Identifiers: Orphanet 475, MedGen C5979921, MONDO:0018772.
Meckel syndrome, type 4 (MKS4). Also called: MECKEL-GRUBER SYNDROME, TYPE 4. Identifiers: Orphanet 564, MedGen C1970161, MONDO:0012626, OMIM 611134.

Submissions (18):

Labcorp Genetics (formerly Invitae), Labcorp
Classification: Benign for Joubert syndrome; Meckel-Gruber syndrome; Nephronophthisis. Last evaluated: 2026-02-04. Review status: criteria provided, single submitter. Criteria: Invitae Variant Classification Sherloc (09022015). Collection method: clinical testing. Allele origin: germline.

Blueprint Genetics
Classification: Benign. Last evaluated: 2024-11-27. Review status: criteria provided, single submitter. Criteria: ACMG Guidelines, 2015. Collection method: clinical testing. Allele origin: germline.

Mayo Clinic Laboratories, Mayo Clinic
Classification: Benign. Last evaluated: 2022-03-09. Review status: criteria provided, single submitter. Criteria: ACMG Guidelines, 2015. Collection method: clinical testing. Allele origin: germline. Observed: 179 variant alleles.

Genome-Nilou Lab
Classification: Benign for Bardet-Biedl syndrome 14. Last evaluated: 2021-07-22. Review status: criteria provided, single submitter. Criteria: ACMG Guidelines, 2015. Collection method: clinical testing. Allele origin: germline. Affected: no.

Genome-Nilou Lab
Classification: Benign for Joubert syndrome 5. Last evaluated: 2021-07-22. Review status: criteria provided, single submitter. Criteria: ACMG Guidelines, 2015. Collection method: clinical testing. Allele origin: germline. Affected: no.

Genome-Nilou Lab
Classification: Benign for Meckel syndrome, type 4. Last evaluated: 2021-07-22. Review status: criteria provided, single submitter. Criteria: ACMG Guidelines, 2015. Collection method: clinical testing. Allele origin: germline. Affected: no.

Genome-Nilou Lab
Classification: Benign for Senior-Loken syndrome 6. Last evaluated: 2021-07-22. Review status: criteria provided, single submitter. Criteria: ACMG Guidelines, 2015. Collection method: clinical testing. Allele origin: germline. Affected: no.

GeneDx
Classification: Benign. Last evaluated: 2018-06-11. Review status: criteria provided, single submitter. Criteria: GeneDx Variant Classification (06012015). Collection method: clinical testing. Allele origin: germline. Affected: yes.
Comment: This variant is considered likely benign or benign based on one or more of the following criteria: it is a conservative change, it occurs at a poorly conserved position in the protein, it is predicted to be benign by multiple in silico algorithms, and/or has population frequency not consistent with disease.

Eurofins Ntd Llc (ga)
Classification: Benign. Last evaluated: 2013-11-20. Review status: criteria provided, single submitter. Criteria: EGL Classification Definitions 2015. Collection method: clinical testing. Allele origin: germline. Observed: 2 variant alleles, 2 homozygotes.

PreventionGenetics, part of Exact Sciences
Classification: Benign. Review status: criteria provided, single submitter. Criteria: ACMG Guidelines, 2015. Collection method: clinical testing. Allele origin: germline.

Natera, Inc.
Classification: Benign for Leber congenital amaurosis. Last evaluated: 2020-09-16. Review status: no assertion criteria provided. Collection method: clinical testing. Allele origin: germline. Not counted in ClinVar's aggregate classification.

Dr. Peter K. Rogan Lab, Western University
No classification provided (evidence only). Condition: Uterine corpus endometrial carcinoma. Review status: no classification provided. Collection method: in vitro. Allele origin: not applicable. Functional consequence: retained intron. Not counted in ClinVar's aggregate classification.

Dr. Peter K. Rogan Lab, Western University
No classification provided (evidence only). Condition: Uterine corpus endometrial carcinoma. Review status: no classification provided. Collection method: in vitro. Allele origin: not applicable. Functional consequence: retained intron. Not counted in ClinVar's aggregate classification.

Dr. Peter K. Rogan Lab, Western University
No classification provided (evidence only). Condition: Malignant tumor of esophagus. Review status: no classification provided. Collection method: in vitro. Allele origin: not applicable. Functional consequence: retained intron. Not counted in ClinVar's aggregate classification.

Dr. Peter K. Rogan Lab, Western University
No classification provided (evidence only). Condition: Malignant tumor of esophagus. Review status: no classification provided. Collection method: in vitro. Allele origin: not applicable. Functional consequence: retained intron. Not counted in ClinVar's aggregate classification.

Dr. Peter K. Rogan Lab, Western University
No classification provided (evidence only). Condition: Malignant tumor of esophagus. Review status: no classification provided. Collection method: in vitro. Allele origin: not applicable. Functional consequence: retained intron. Not counted in ClinVar's aggregate classification.

Dr. Peter K. Rogan Lab, Western University
No classification provided (evidence only). Condition: Malignant tumor of esophagus. Review status: no classification provided. Collection method: in vitro. Allele origin: not applicable. Functional consequence: retained intron. Not counted in ClinVar's aggregate classification.

Dr. Peter K. Rogan Lab, Western University
No classification provided (evidence only). Condition: Malignant tumor of esophagus. Review status: no classification provided. Collection method: in vitro. Allele origin: not applicable. Functional consequence: skipped exon. Not counted in ClinVar's aggregate classification.